The following is an entry in ClinVar:

NM_000051.4(ATM):c.3403-14A>G

Gene: ATM (ATM serine/threonine kinase; plus strand). Cytogenetic location: 11q22.3.
Variant type: single nucleotide variant.
Coding change: c.3403-14A>G on transcript NM_000051.4 (MANE Select); 14 bases into the intron before coding-DNA position 3403, A replaced by G.
Molecular consequence: intron variant.
Genome position (GRCh38, 1-based): chr11:108,280,981, A>G. VCF-style: chr11-108280981-A-G. GRCh37 (hg19) VCF-style: chr11-108151708-A-G.
Other names: c.3403-14A>G (NM_001351834.2).
Identifiers: ClinVar variation 921420 (VCV000921420.4), dbSNP rs941737393, ClinGen allele CA228364691.

ClinVar aggregate classification (germline): Likely benign. Review status: criteria provided, multiple submitters, no conflicts (2 of 4 stars). 3 submissions from 3 submitters: Likely benign (2). 1 of the submissions does not count toward it. Last evaluated 2020-03-15.

Conditions:
Carcinoma of colon (CRC). Also called: Colonic carcinoma; Colon carcinoma. Identifiers: MedGen C0699790, MONDO:0002032.
Hereditary cancer-predisposing syndrome. Also called: Tumor predisposition; Neoplastic Syndromes, Hereditary; Hereditary neoplastic syndrome; Hereditary Cancer Syndrome. Identifiers: Orphanet 140162, MedGen C0027672, MeSH D009386, MONDO:0015356.

Allele frequency attached by ClinVar (database versions not stated): gnomAD exomes 0.00001; TOPMed 0.00001; gnomAD 0.00007 and 0.00010.

Submissions (3):

Blueprint Genetics
Classification: Likely benign. Last evaluated: 2020-03-15. Review status: criteria provided, single submitter. Criteria: ACMG Guidelines, 2015. Collection method: clinical testing. Allele origin: germline.

Color Diagnostics, LLC DBA Color Health
Classification: Likely benign for Hereditary cancer-predisposing syndrome. Last evaluated: 2016-02-26. Review status: criteria provided, single submitter. Criteria: ACMG Guidelines, 2015. Collection method: clinical testing. Allele origin: germline.

Department of Pathology and Laboratory Medicine, Sinai Health System
Classification: Likely benign for Carcinoma of colon. Review status: no assertion criteria provided. Collection method: clinical testing. Allele origin: unknown. Affected: yes. Study: The Canadian Open Genetics Repository (COGR). Not counted in ClinVar's aggregate classification.
Comment: The ATM c.3403-14A>G variant was not identified in the literature nor was it identified in the Cosmic, MutDB, LOVD 3.0, dbSNP, ClinVar, or Clinvitae. The variant was identified in control databases in 1 of 6652 chromosomes at a frequency of 0.0002 increasing the likelihood this could be a low frequency benign variant (Genome Aggregation Database Feb 27, 2017). It was observed in the European (Non-Finnish) population in 1 of 2836 chromosomes (freq: 0.0004); it was not observed in the East Asian, South Asian, African, Other, Latino, Ashkenazi Jewish, or Finnish populations. The c.3403-14A>G variant occurs outside of the splicing consensus sequence and in silico or computational prediction software programs (SpliceSiteFinder, MaxEntScan, NNSPLICE, GeneSplicer, HumanSpliceFinder) do not predict a difference in splicing. In summary, based on the above information we lean towards a more benign role for this variant. This variant is classified as likely benign.